The following is an entry in ClinVar:

NM_033087.4(ALG2):c.217G>C (p.Asp73His)

Gene: ALG2 (ALG2 alpha-1,3/1,6-mannosyltransferase; minus strand). Cytogenetic location: 9q22.33.
Variant type: single nucleotide variant.
Coding change: c.217G>C on transcript NM_033087.4 (MANE Select); coding-DNA position 217, G replaced by C.
Protein change: p.Asp73His; replaces aspartic acid 73 with histidine.
Molecular consequence: missense variant. On other transcripts: non-coding transcript variant (1).
Genome position (GRCh38, 1-based): chr9:99,221,678, C>G on the plus strand (G>C on the coding strand, the complement: ALG2 is on the minus strand). VCF-style: chr9-99221678-C-G. GRCh37 (hg19) VCF-style: chr9-101983960-C-G.
Other names: short protein forms D73H.
Identifiers: ClinVar variation 1519701 (VCV001519701.3), dbSNP rs375634924, ClinGen allele CA5156440.

ClinVar aggregate classification (germline): Uncertain significance (1 of 4 stars; one submission).

Conditions:
Congenital disorder of glycosylation, type Ii. Also called: ALG2-CDG; CDG Ii; ALG2-congenital disorder of glycosylation. Identifiers: Orphanet 79326, MedGen C1842836, MONDO:0011933, OMIM 607906.
Congenital myasthenic syndrome 14. Also called: Myasthenic syndrome, congenital, 14, with tubular aggregates. Identifiers: Orphanet 353327, Orphanet 590, MedGen C4015597, MONDO:0014543, OMIM 616228.

Allele frequency attached by ClinVar (database versions not stated): gnomAD 0.00001; gnomAD exomes 0.00014; ExAC 0.00067.

Submission:

Labcorp Genetics (formerly Invitae), Labcorp
Classification: Uncertain significance for Congenital disorder of glycosylation, type Ii; Congenital myasthenic syndrome 14. Last evaluated: 2022-07-06. Review status: criteria provided, single submitter. Criteria: Invitae Variant Classification Sherloc (09022015). Collection method: clinical testing. Allele origin: germline.
Comment: This sequence change replaces aspartic acid, which is acidic and polar, with histidine, which is basic and polar, at codon 73 of the ALG2 protein (p.Asp73His). This variant is present in population databases (rs375634924, gnomAD 0.09%). This variant has not been reported in the literature in individuals affected with ALG2-related conditions. ClinVar contains an entry for this variant (Variation ID: 1519701). Algorithms developed to predict the effect of missense changes on protein structure and function are either unavailable or do not agree on the potential impact of this missense change (SIFT: "Deleterious"; PolyPhen-2: "Probably Damaging"; Align-GVGD: "Class C0"). In summary, the available evidence is currently insufficient to determine the role of this variant in disease. Therefore, it has been classified as a Variant of Uncertain Significance.